The following is an entry in ClinVar:

ClinVar aggregate classification (germline): Uncertain significance (1 of 4 stars; one submission).

Conditions:
Autosomal dominant Parkinson disease 8. Also called: LRRK2-Related Parkinson Disease; Parkinson disease 8; Parkinson disease 8, susceptibility to. Identifiers: Orphanet 411602, MedGen C1846862, MONDO:0011764, OMIM 607060.

Allele frequency attached by ClinVar (database versions not stated): gnomAD 0.00001; TOPMed 0.00001.
gnomAD v4.1: 4 of 1,613,822 alleles (0.00025%); highest among the groups gnomAD compares: Non-Finnish European, 0.00034%; no homozygotes.

Submission:

Labcorp Genetics (formerly Invitae), Labcorp
Classification: Uncertain significance for Autosomal dominant Parkinson disease 8. Last evaluated: 2020-01-31. Review status: criteria provided, single submitter. Criteria: Invitae Variant Classification Sherloc (09022015). Collection method: clinical testing. Allele origin: germline.
Comment: This sequence change replaces asparagine with histidine at codon 1062 of the LRRK2 protein (p.Asn1062His). The asparagine residue is weakly conserved and there is a small physicochemical difference between asparagine and histidine. In summary, the available evidence is currently insufficient to determine the role of this variant in disease. Therefore, it has been classified as a Variant of Uncertain Significance. Algorithms developed to predict the effect of missense changes on protein structure and function (SIFT, PolyPhen-2, Align-GVGD) all suggest that this variant is likely to be tolerated, but these predictions have not been confirmed by published functional studies and their clinical significance is uncertain. This variant has not been reported in the literature in individuals with LRRK2-related conditions. This variant is not present in population databases (ExAC no frequency).

NM_198578.4(LRRK2):c.3184A>C (p.Asn1062His)

Gene: LRRK2 (leucine rich repeat kinase 2; plus strand). Cytogenetic location: 12q12.
Variant type: single nucleotide variant.
Coding change: c.3184A>C on transcript NM_198578.4 (MANE Select); coding-DNA position 3184, A replaced by C.
Protein change: p.Asn1062His; replaces asparagine 1062 with histidine.
Molecular consequence: missense variant.
Genome position (GRCh38, 1-based): chr12:40,298,330, A>C. VCF-style: chr12-40298330-A-C. GRCh37 (hg19) VCF-style: chr12-40692132-A-C.
Other names: short protein forms N1062H.
Identifiers: ClinVar variation 1015784 (VCV001015784.9), dbSNP rs201935017, ClinGen allele CA235348682.
Genomic context (GRCh38, chr12:40,298,330, plus strand): 5'-TTGCACAGTAATAAATTTACATCATTTCCTTCTTATTTGTTGAAAATGAGTTGTATTGCT[A>C]ATCTTGATGTCTCTCGAAATGACATTGGACCCTCAGTGGTTTTAGATCCTACAGTGAAAT-3'
Protein context (NP_940980.4, residues 1052-1072): SYLLKMSCIA[Asn1062His]LDVSRNDIGP